The following is an entry in ClinVar:

NM_001166108.2(PALLD):c.1965-12769C>T

Gene: PALLD (palladin, cytoskeletal associated protein; plus strand). Cytogenetic location: 4q32.3.
Variant type: single nucleotide variant.
Coding change: c.1965-12769C>T on transcript NM_001166108.2 (MANE Select); 12769 bases into the intron before coding-DNA position 1965, C replaced by T.
Molecular consequence: intron variant. On other transcripts: missense variant (1).
Genome position (GRCh38, 1-based): chr4:168,878,153, C>T. VCF-style: chr4-168878153-C-T. GRCh37 (hg19) VCF-style: chr4-169799304-C-T.
Other names: c.262C>T, p.Pro88Ser (NM_001166110.2); c.1965-12769C>T (NM_016081.4); c.819-12769C>T (NM_001166109.2); c.-157-12769C>T (NM_001367570.1, NM_001367568.1, NM_001367567.1 and 1 more transcripts); short protein forms P88S.
Identifiers: ClinVar variation 3927562 (VCV003927562.1).

ClinVar aggregate classification (germline): Uncertain significance (1 of 4 stars; one submission).

gnomAD v4.1: 4 of 1,489,684 alleles (0.00027%); highest among the groups gnomAD compares: African/African-American, 0.0015%; no homozygotes.

Submission:

Ambry Genetics
Classification: Uncertain significance. Last evaluated: 2025-05-31. Review status: criteria provided, single submitter. Criteria: Ambry Variant Classification Scheme 2023. Collection method: clinical testing. Allele origin: germline.
Comment: The p.P88S variant (also known as c.262C>T), located in coding exon 1 of the PALLD gene, results from a C to T substitution at nucleotide position 262. The proline at codon 88 is replaced by serine, an amino acid with similar properties. This amino acid position is conserved. In addition, this alteration is predicted to be tolerated by in silico analysis. Based on the available evidence, the clinical significance of this variant remains unclear.